The following is an entry in ClinVar:

NM_001064.4(TKT):c.541A>G (p.Ile181Val)

Gene: TKT (transketolase; minus strand). Cytogenetic location: 3p21.1.
Variant type: single nucleotide variant.
Coding change: c.541A>G on transcript NM_001064.4 (MANE Select); coding-DNA position 541, A replaced by G.
Protein change: p.Ile181Val; replaces isoleucine 181 with valine.
Molecular consequence: missense variant.
Genome position (GRCh38, 1-based): chr3:53,235,071, T>C on the plus strand (A>G on the coding strand, the complement: TKT is on the minus strand). VCF-style: chr3-53235071-T-C. GRCh37 (hg19) VCF-style: chr3-53269087-T-C.
Other names: c.541A>G, p.Ile181Val (NM_001135055.3); c.565A>G, p.Ile189Val (NM_001258028.2); short protein forms I189V, I181V.
Identifiers: ClinVar variation 777965 (VCV000777965.13), dbSNP rs17052920, ClinGen allele CA2452846.

ClinVar aggregate classification (germline): Conflicting classifications of pathogenicity. Review status: criteria provided, conflicting classifications (1 of 4 stars). 4 submissions from 4 submitters: Uncertain significance (1); Likely benign (2). 1 of the submissions does not count toward it. Last evaluated 2026-08-01.

Conditions:
Transketolase deficiency. Also called: Short stature, developmental delay, and congenital heart defects. Identifiers: Orphanet 488618, MedGen C5700245, MONDO:0014881, OMIM 617044.
TKT-related disorder. Also called: TKT-related condition.

Allele frequency attached by ClinVar (database versions not stated): gnomAD exomes 0.00623 and 0.00515; ESP Exome Variant Server 0.00638; 1000 Genomes Project 0.00200; 1000 Genomes Project 30x 0.00203; gnomAD 0.00445 and 0.00449; TOPMed 0.00449; ExAC 0.00508.
gnomAD v4.1: 9,729 of 1,614,020 alleles (0.6%); highest among the groups gnomAD compares: Non-Finnish European, 0.71%; 41 homozygotes.

Submissions (4):

CeGaT Center for Human Genetics Tuebingen
Classification: Likely benign. Last evaluated: 2026-08-01. Review status: criteria provided, single submitter. Criteria: CeGaT Center For Human Genetics Tuebingen Variant Classification Criteria Version 2. Collection method: clinical testing. Allele origin: germline. Affected: yes. Observed: 9 variant alleles.
Comment: TKT: BP4, BS2

Labcorp Genetics (formerly Invitae), Labcorp
Classification: Likely benign. Last evaluated: 2019-12-31. Review status: criteria provided, single submitter. Criteria: Invitae Variant Classification Sherloc (09022015). Collection method: clinical testing. Allele origin: germline.

Baylor Genetics
Classification: Uncertain significance for Transketolase deficiency. Last evaluated: 2018-08-07. Review status: criteria provided, single submitter. Criteria: ACMG Guidelines, 2015. Collection method: clinical testing. Allele origin: paternal. Affected: yes.
Comment: This variant was determined to be of uncertain significance according to ACMG Guidelines, 2015 [PMID:25741868].

PreventionGenetics, part of Exact Sciences
Classification: Benign for TKT-related condition. Last evaluated: 2024-05-15. Review status: no assertion criteria provided. Collection method: clinical testing. Allele origin: germline. Not counted in ClinVar's aggregate classification.
Comment: This variant is classified as benign based on ACMG/AMP sequence variant interpretation guidelines (Richards et al. 2015 PMID: 25741868, with internal and published modifications).